The following is an entry in ClinVar:

ClinVar aggregate classification (germline): Uncertain significance (1 of 4 stars; one submission).

Conditions:
Joubert syndrome. Also called: CEREBELLOPARENCHYMAL DISORDER IV; JOUBERT-BOLTSHAUSER SYNDROME; Familial aplasia of the vermis. Identifiers: Orphanet 475, MedGen C5979921, MONDO:0018772.
Meckel-Gruber syndrome. Also called: DYSENCEPHALIA SPLANCHNOCYSTICA; GRUBER SYNDROME; Dysencephalia splachnocystica. Identifiers: Orphanet 564, MedGen C0265215, MONDO:0018921.

Allele frequency attached by ClinVar (database versions not stated): gnomAD exomes below 0.00001; TOPMed below 0.00001; gnomAD 0.00001.
gnomAD v4.1: 2 of 1,614,104 alleles (0.00012%); highest among the groups gnomAD compares: African/African-American, 0.0027%; no homozygotes.

Submission:

Labcorp Genetics (formerly Invitae), Labcorp
Classification: Uncertain significance for Joubert syndrome; Meckel-Gruber syndrome. Last evaluated: 2024-10-25. Review status: criteria provided, single submitter. Criteria: Invitae Variant Classification Sherloc (09022015). Collection method: clinical testing. Allele origin: germline.
Comment: This sequence change replaces phenylalanine, which is neutral and non-polar, with isoleucine, which is neutral and non-polar, at codon 543 of the TCTN1 protein (p.Phe543Ile). This variant is present in population databases (no rsID available, gnomAD 0.007%). This variant has not been reported in the literature in individuals affected with TCTN1-related conditions. ClinVar contains an entry for this variant (Variation ID: 1399867). Invitae Evidence Modeling of protein sequence and biophysical properties (such as structural, functional, and spatial information, amino acid conservation, physicochemical variation, residue mobility, and thermodynamic stability) indicates that this missense variant is not expected to disrupt TCTN1 protein function with a negative predictive value of 80%. In summary, the available evidence is currently insufficient to determine the role of this variant in disease. Therefore, it has been classified as a Variant of Uncertain Significance.

NM_001082538.3(TCTN1):c.1627T>A (p.Phe543Ile)

Gene: TCTN1 (tectonic family member 1; plus strand). Cytogenetic location: 12q24.11.
Variant type: single nucleotide variant.
Coding change: c.1627T>A on transcript NM_001082538.3 (MANE Select); coding-DNA position 1627, T replaced by A.
Protein change: p.Phe543Ile; replaces phenylalanine 543 with isoleucine.
Molecular consequence: missense variant. On other transcripts: non-coding transcript variant (1).
Genome position (GRCh38, 1-based): chr12:110,647,328, T>A. VCF-style: chr12-110647328-T-A. GRCh37 (hg19) VCF-style: chr12-111085133-T-A.
Other names: c.1465T>A, p.Phe489Ile (NM_001319680.2); c.1078T>A, p.Phe360Ile (NM_001319681.2); c.1570T>A, p.Phe524Ile (NM_024549.6); c.1612T>A, p.Phe538Ile (NM_001082537.3); c.1444T>A, p.Phe482Ile (NM_001173975.3); c.1300T>A, p.Phe434Ile (NM_001173976.2); short protein forms F482I, F538I, F360I, F489I, F543I, F434I, F524I.
Identifiers: ClinVar variation 1399867 (VCV001399867.6), dbSNP rs928189605, ClinGen allele CA243537779.